The following is an entry in ClinVar:

ClinVar aggregate classification (germline): Likely pathogenic (1 of 4 stars; one submission).

Conditions:
LAMA2-related muscular dystrophy (LAMA2-RD). Also called: Laminin alpha 2-related dystrophy. Identifiers: MedGen C5679788, MONDO:0100228.

Submission:

Myriad Genetics, Inc.
Classification: Likely pathogenic for LAMA2-related muscular dystrophy. Last evaluated: 2021-12-08. Review status: criteria provided, single submitter. Criteria: Myriad Autosomal Dominant, Autosomal Recessive and X-Linked Classification Criteria (2023). Collection method: clinical testing. Allele origin: unknown.
Comment: NM_000426.3(LAMA2):c.5913_5914delTC(Q1972Efs*7) is expected to be pathogenic in the context of muscular dystrophy, LAMA2-related. This variant is predicted to lead to an abnormal or absent protein product due to the creation of a premature termination codon in LAMA2, a gene where loss-of-function variants are known to be pathogenic. Please note: this variant was assessed in the context of healthy population screening.

NM_000426.4(LAMA2):c.5913_5914del (p.Gln1972fs)

Gene: LAMA2 (laminin subunit alpha 2; plus strand). Cytogenetic location: 6q22.33.
Variant type: Deletion.
Coding change: c.5913_5914del on transcript NM_000426.4 (MANE Select); coding-DNA positions 5913 to 5914, 2 bases deleted (TC; older notation c.5913_5914delTC).
Protein change: p.Gln1972fs; shifts the reading frame from glutamine 1972.
Molecular consequence: frameshift variant.
Genome position (GRCh38, 1-based): chr6:129,427,799-129,427,800, TC deleted. VCF-style (leftmost placement, unchanged base first): chr6-129427798-TTC-T. GRCh37 (hg19) VCF-style: chr6-129748943-TTC-T.
Other names: c.5913_5914del, p.Gln1972fs (NM_001079823.2); short protein forms Q1972fs.
Identifiers: ClinVar variation 1725876 (VCV001725876.3), dbSNP rs2533352412, ClinGen allele CA2580075045.